The following is an entry in ClinVar:

NM_001348716.2(KDM6B):c.2822CAG[1] (p.Ala942del)

Gene: KDM6B (lysine demethylase 6B; plus strand). Cytogenetic location: 17p13.1.
Variant type: Microsatellite.
Coding change: c.2822CAG[1] on transcript NM_001348716.2 (MANE Select); one copy of the 3-base unit CAG starting at c.2822; the reference has two copies in a row; one copy, 3 bases deleted.
Protein change: p.Ala942del; deletes alanine 942.
Genome position (GRCh38, 1-based): chr17:7,849,113-7,849,115, CAG deleted; deleting any 3 consecutive bases within chr17:7,849,110-7,849,115 gives the same sequence; the position shown is the placement nearest the transcript's 3' end. VCF-style (leftmost placement, unchanged base first): chr17-7849109-ACAG-A. GRCh37 (hg19) VCF-style: chr17-7752427-ACAG-A.
Other names: c.2822CAG[1], p.Ala942del (NM_001080424.2); short protein forms A942del.
Identifiers: ClinVar variation 3047244 (VCV003047244.2), dbSNP rs539231212, ClinGen allele CA8361013.
Genomic context (GRCh38, chr17:7,849,109, plus strand): 5'-TGCGAGACCCTTGTGGAGCGGGTGGGCCGGAGTGCCACTGACCCAGCCGACCCAGTGGAC[ACAG>A]CAGAGCCAGCGGACAGTGGGACTGAGCGACTGCTGCCCCCCGCACAGGCCAAGGAGGAGG-3'

ClinVar aggregate classification (germline): Likely benign (0 of 4 stars; one submission).

Conditions:
KDM6B-related disorder. Also called: KDM6B-related condition.

Submission:

PreventionGenetics, part of Exact Sciences
Classification: Likely benign for KDM6B-related condition. Last evaluated: 2022-03-09. Review status: no assertion criteria provided. Collection method: clinical testing. Allele origin: germline.
Comment: This variant is classified as likely benign based on ACMG/AMP sequence variant interpretation guidelines (Richards et al. 2015 PMID: 25741868, with internal and published modifications).